The following is an entry in ClinVar:

NM_000452.3(SLC10A2):c.136A>G (p.Met46Val)

Gene: SLC10A2 (solute carrier family 10 member 2; minus strand). Cytogenetic location: 13q33.1.
Variant type: single nucleotide variant.
Coding change: c.136A>G on transcript NM_000452.3 (MANE Select); coding-DNA position 136, A replaced by G.
Protein change: p.Met46Val; replaces methionine 46 with valine.
Molecular consequence: missense variant.
Genome position (GRCh38, 1-based): chr13:103,066,114, T>C on the plus strand (A>G on the coding strand, the complement: SLC10A2 is on the minus strand). VCF-style: chr13-103066114-T-C. GRCh37 (hg19) VCF-style: chr13-103718464-T-C.
Other names: short protein forms M46V.
Identifiers: ClinVar variation 4771119 (VCV004771119.1).

ClinVar aggregate classification (germline): Uncertain significance (1 of 4 stars; one submission).

gnomAD v4.1: 45 of 1,613,774 alleles (0.0028%); highest among the groups gnomAD compares: South Asian, 0.047%; no homozygotes.

Submission:

Labcorp Genetics (formerly Invitae), Labcorp
Classification: Uncertain significance. Last evaluated: 2025-05-27. Review status: criteria provided, single submitter. Criteria: Invitae Variant Classification Sherloc (09022015). Collection method: clinical testing. Allele origin: germline.
Comment: This sequence change replaces methionine, which is neutral and non-polar, with valine, which is neutral and non-polar, at codon 46 of the SLC10A2 protein (p.Met46Val). This variant is present in population databases (rs199566966, gnomAD 0.01%). This variant has not been reported in the literature in individuals affected with SLC10A2-related conditions. Invitae Evidence Modeling of protein sequence and biophysical properties (such as structural, functional, and spatial information, amino acid conservation, physicochemical variation, residue mobility, and thermodynamic stability) indicates that this missense variant is not expected to disrupt SLC10A2 protein function with a negative predictive value of 80%. In summary, the available evidence is currently insufficient to determine the role of this variant in disease. Therefore, it has been classified as a Variant of Uncertain Significance.